The following is an entry in ClinVar:

NC_000001.10:g.(?_85733310)_(85742035_?)dup

Gene: BCL10 (BCL10 immune signaling adaptor; minus strand). Cytogenetic location: 1p22.3.
Variant type: Duplication.
Identifiers: ClinVar variation 2424796 (VCV002424796.4).

ClinVar aggregate classification (germline): Uncertain significance (1 of 4 stars; one submission).

Conditions:
Immunodeficiency 37 (IMD37). Identifiers: MedGen C4015195, MONDO:0014491, OMIM 616098.

Submission:

Labcorp Genetics (formerly Invitae), Labcorp
Classification: Uncertain significance for Immunodeficiency 37. Last evaluated: 2022-09-09. Review status: criteria provided, single submitter. Criteria: Invitae Variant Classification Sherloc (09022015). Collection method: clinical testing. Allele origin: germline.
Comment: In summary, the available evidence is currently insufficient to determine the role of this variant in disease. Therefore, it has been classified as a Variant of Uncertain Significance. This variant has not been reported in the literature in individuals affected with BCL10-related conditions. A copy number gain of the genomic region encompassing the full coding sequence of the BCL10 gene has been identified. The boundaries of this event are unknown as they extend beyond the assayed region for this gene and therefore may encompass additional genes. As the precise location of this event is unknown, it may be in tandem or it may be located elsewhere in the genome.